The following is an entry in ClinVar:

ClinVar aggregate classification (germline): Uncertain significance (1 of 4 stars; one submission).

Conditions:
Hypomagnesemia, seizures, and impaired intellectual development 1. Also called: Hypomagnesemia, seizures, and intellectual disability 1. Identifiers: Orphanet 34527, MedGen C4225333, MONDO:0020787, OMIM 616418.

Submission:

New York Genome Center
Classification: Uncertain significance for Hypomagnesemia, seizures, and impaired intellectual development 1. Last evaluated: 2022-01-28. Review status: criteria provided, single submitter. Criteria: NYGC Assertion Criteria 2020. Collection method: clinical testing. Allele origin: de novo. Observed: 1 heterozygote. Study: CSER-NYCKidSeq.
Comment: The de novo c.1622-56334_1622-56333del intronic variant identified in the CNNM2 gene is the deletion of two moderately conserved Thymine nucleotides within intron 1/7. This variant is absent from gnomAD(v3.1.2) suggesting it is not a common variant in the populations represented in that database. In silico algorithm SpliceAI suggest this variant has a low probability of altering splicing (delta score: 0.12, Acceptor Gain -51bp). This variant is absent from ClinVar and to our current knowledge has not been reported in affected individuals in the literature. Given the lack of compelling evidence for its pathogenicity, the de novo c.1622-56334_1622-56333del intronic variant identified in the CNNM2 gene is reported as a Variant of UncertainSignificance.

NM_017649.5(CNNM2):c.1622-56334_1622-56333del

Gene: CNNM2 (cyclin and CBS domain divalent metal cation transport mediator 2; plus strand). Cytogenetic location: 10q24.32.
Variant type: Deletion.
Coding change: c.1622-56334_1622-56333del on transcript NM_017649.5 (MANE Select); 56334 bases into the intron before coding-DNA position 1622 through 56333 bases into the intron before coding-DNA position 1622, 2 bases deleted (TT; older notation c.1622-56334_1622-56333delTT).
Molecular consequence: intron variant.
Genome position (GRCh38, 1-based): chr10:102,993,373-102,993,374, TT deleted; deleting any 2 consecutive bases within chr10:102,993,371-102,993,374 gives the same sequence; the c. name uses the placement nearest the transcript's 3' end. VCF-style (leftmost placement, unchanged base first): chr10-102993370-CTT-C. GRCh37 (hg19) VCF-style: chr10-104753127-CTT-C.
Other names: c.1622-56334_1622-56333del (NM_199076.3).
Identifiers: ClinVar variation 1701721 (VCV001701721.1), dbSNP rs1371214636, ClinGen allele CA2580081206.